The following is an entry in ClinVar:

NM_001365405.1(CES2):c.441C>T (p.His147=)

Gene: CES2 (carboxylesterase 2; plus strand). Cytogenetic location: 16q22.1.
Variant type: single nucleotide variant.
Coding change: c.441C>T on transcript NM_001365405.1 (MANE Select); coding-DNA position 441, C replaced by T.
Protein change: p.His147=; no amino-acid change (histidine 147 retained).
Molecular consequence: synonymous variant.
Genome position (GRCh38, 1-based): chr16:66,940,239, C>T. VCF-style: chr16-66940239-C-T. GRCh37 (hg19) VCF-style: chr16-66974142-C-T.
Other names: c.162C>T, p.His54= (NM_001365406.1, NM_001365407.1, NM_001365408.1); c.441C>T, p.His147= (NM_003869.6, NM_198061.3).
Identifiers: ClinVar variation 2646608 (VCV002646608.24), dbSNP rs150573301, ClinGen allele CA8098591.

ClinVar aggregate classification (germline): Likely benign (1 of 4 stars; one submission).

Allele frequency attached by ClinVar (database versions not stated): ExAC 0.00006; gnomAD 0.00011; TOPMed 0.00013; gnomAD exomes 0.00014; ESP Exome Variant Server 0.00015; 1000 Genomes Project 30x 0.00016; 1000 Genomes Project 0.00020.
gnomAD v4.1: 217 of 1,538,998 alleles (0.014%); highest among the groups gnomAD compares: Admixed American, 0.027%; 1 homozygote.

Submission:

CeGaT Center for Human Genetics Tuebingen
Classification: Likely benign. Last evaluated: 2022-12-01. Review status: criteria provided, single submitter. Criteria: CeGaT Center For Human Genetics Tuebingen Variant Classification Criteria Version 2. Collection method: clinical testing. Allele origin: germline. Affected: yes. Observed: 1 variant allele.
Comment: CES2: BP4, BP7